The following is an entry in ClinVar:

NM_000321.3(RB1):c.336G>C (p.Glu112Asp)

Gene: RB1 (RB transcriptional corepressor 1; plus strand). Cytogenetic location: 13q14.2.
Variant type: single nucleotide variant.
Coding change: c.336G>C on transcript NM_000321.3 (MANE Select); coding-DNA position 336, G replaced by C.
Protein change: p.Glu112Asp; replaces glutamic acid 112 with aspartic acid.
Molecular consequence: missense variant.
Genome position (GRCh38, 1-based): chr13:48,342,670, G>C. VCF-style: chr13-48342670-G-C. GRCh37 (hg19) VCF-style: chr13-48916806-G-C.
Other names: c.336G>C, p.Glu112Asp (NM_001407165.1, NM_001407166.1); short protein forms E112D.
Identifiers: ClinVar variation 4863022 (VCV004863022.1).
Genomic context (GRCh38, chr13:48,342,670, plus strand): 5'-TCAAAAGAAAAAGGAACTGTGGGGAATCTGTATCTTTATTGCAGCAGTTGACCTAGATGA[G>C]ATGTCGTTCACTTTTACTGAGCTACAGAAAAACATAGAAATCAGGTAAAGTTTCTTGTAT-3'
Protein context (NP_000312.2, residues 102-122): CIFIAAVDLD[Glu112Asp]MSFTFTELQK

ClinVar aggregate classification (germline): Uncertain significance (1 of 4 stars; one submission).

Conditions:
Hereditary cancer-predisposing syndrome. Also called: Neoplastic Syndromes, Hereditary; Tumor predisposition; Hereditary Cancer Syndrome; Hereditary neoplastic syndrome. Identifiers: Orphanet 140162, MedGen C0027672, MeSH D009386, MONDO:0015356.

Submission:

Ambry Genetics
Classification: Uncertain significance for Hereditary cancer-predisposing syndrome. Last evaluated: 2026-04-28. Review status: criteria provided, single submitter. Criteria: Ambry Variant Classification Scheme 2023. Collection method: clinical testing. Allele origin: germline.
Comment: The p.E112D variant (also known as c.336G>C), located in coding exon 3 of the RB1 gene, results from a G to C substitution at nucleotide position 336. The glutamic acid at codon 112 is replaced by aspartic acid, an amino acid with highly similar properties. This amino acid position is conserved. In addition, this alteration is predicted to be tolerated by in silico analysis. Based on the available evidence, the clinical significance of this variant remains unclear.